The following is an entry in ClinVar:

NM_003072.5(SMARCA4):c.1994A>G (p.Glu665Gly)

Gene: SMARCA4 (SWI/SNF related BAF chromatin remodeling complex subunit ATPase 4; plus strand). Cytogenetic location: 19p13.2.
Variant type: single nucleotide variant.
Coding change: c.1994A>G on transcript NM_003072.5 (MANE Select); coding-DNA position 1994, A replaced by G.
Protein change: p.Glu665Gly; replaces glutamic acid 665 with glycine.
Molecular consequence: missense variant. On other transcripts: non-coding transcript variant (1).
Genome position (GRCh38, 1-based): chr19:11,003,390, A>G. VCF-style: chr19-11003390-A-G. GRCh37 (hg19) VCF-style: chr19-11114066-A-G.
Other names: c.1994A>G, p.Glu665Gly (NM_001128844.3, NM_001128845.2, NM_001128846.2 and 6 more transcripts); short protein forms E665G.
Identifiers: ClinVar variation 2960253 (VCV002960253.3), dbSNP rs754483795, ClinGen allele CA404052306.
Genomic context (GRCh38, chr19:11,003,390, plus strand): 5'-TTTTTTCTAGGTATGAAGTAGCTCCGAGGTCTGATAGTGAAGAAAGTGGCTCAGAAGAAG[A>G]GGAAGAGGTAAGAGTGCATTTCCTGGCTTTCAAGGCTCTCAGTGCCCACTGGCAGTGACT-3'
Protein context (NP_003063.2, residues 655-675): SDSEESGSEE[Glu665Gly]EEEEEEEQPQ

ClinVar aggregate classification (germline): Uncertain significance (1 of 4 stars; one submission).

Conditions:
Rhabdoid tumor predisposition syndrome 2 (RTPS2). Identifiers: Orphanet 231108, Orphanet 69077, MedGen C2750074, MONDO:0013224, OMIM 613325.

Submission:

Labcorp Genetics (formerly Invitae), Labcorp
Classification: Uncertain significance for Rhabdoid tumor predisposition syndrome 2. Last evaluated: 2023-05-08. Review status: criteria provided, single submitter. Criteria: Invitae Variant Classification Sherloc (09022015). Collection method: clinical testing. Allele origin: germline.
Comment: This sequence change replaces glutamic acid, which is acidic and polar, with glycine, which is neutral and non-polar, at codon 665 of the SMARCA4 protein (p.Glu665Gly). In summary, the available evidence is currently insufficient to determine the role of this variant in disease. Therefore, it has been classified as a Variant of Uncertain Significance. This variant is not present in population databases (gnomAD no frequency). This variant has not been reported in the literature in individuals affected with SMARCA4-related conditions. Advanced modeling of protein sequence and biophysical properties (such as structural, functional, and spatial information, amino acid conservation, physicochemical variation, residue mobility, and thermodynamic stability) performed at Invitae indicates that this missense variant is not expected to disrupt SMARCA4 protein function.